The following is an entry in ClinVar:

ClinVar aggregate classification (germline): Benign. Review status: criteria provided, multiple submitters, no conflicts (2 of 4 stars). 9 submissions from 9 submitters: Benign (9). Last evaluated 2026-02-01.

Conditions:
Focal segmental glomerulosclerosis 1 (FSGS1). Identifiers: Orphanet 656, MedGen C4551527, MONDO:0011303, OMIM 603278.

Allele frequency attached by ClinVar (database versions not stated): 1000 Genomes Project 0.11542; TOPMed 0.14570; gnomAD 0.14845 and 0.14941; ESP Exome Variant Server 0.15316; gnomAD exomes 0.15744 and 0.17205; ExAC 0.16036; 1000 Genomes Project 30x 0.11477.
gnomAD v4.1: 274,076 of 1,613,962 alleles (17%); highest among the groups gnomAD compares: Middle Eastern, 33%; 24,878 homozygotes.

Submissions (9):

Labcorp Genetics (formerly Invitae), Labcorp
Classification: Benign. Last evaluated: 2026-02-01. Review status: criteria provided, single submitter. Criteria: Invitae Variant Classification Sherloc (09022015). Collection method: clinical testing. Allele origin: germline.

Blueprint Genetics
Classification: Benign. Last evaluated: 2024-11-28. Review status: criteria provided, single submitter. Criteria: ACMG Guidelines, 2015. Collection method: clinical testing. Allele origin: germline.

Unidad de Genómica Garrahan, Hospital de Pediatría Garrahan
Classification: Benign. Last evaluated: 2024-07-15. Review status: criteria provided, single submitter. Criteria: ACMG Guidelines, 2015. Collection method: clinical testing. Allele origin: germline. Affected: no. Observed: 28 variant alleles.
Comment: This variant is classified as Benign based on local population frequency. This variant was detected in 30% of patients studied in a panel designed for Epileptic and Developmental Encephalopathy and Progressive Myoclonus Epilepsy. Number of patients: 28. Only high quality variants are reported.

Mayo Clinic Laboratories, Mayo Clinic
Classification: Benign. Last evaluated: 2022-03-09. Review status: criteria provided, single submitter. Criteria: ACMG Guidelines, 2015. Collection method: clinical testing. Allele origin: germline. Observed: 37 variant alleles.

Genome-Nilou Lab
Classification: Benign for Focal segmental glomerulosclerosis 1. Last evaluated: 2021-12-05. Review status: criteria provided, single submitter. Criteria: ACMG Guidelines, 2015. Collection method: clinical testing. Allele origin: germline. Affected: no.

GeneDx
Classification: Benign. Last evaluated: 2018-07-05. Review status: criteria provided, single submitter. Criteria: GeneDx Variant Classification Process June 2021. Collection method: clinical testing. Allele origin: germline. Affected: yes.

Athena Diagnostics
Classification: Benign for Focal segmental glomerulosclerosis 1. Last evaluated: 2017-04-12. Review status: criteria provided, single submitter. Criteria: Athena Diagnostics Criteria. Collection method: clinical testing. Allele origin: germline.

Breakthrough Genomics
Classification: Benign. Review status: criteria provided, single submitter. Criteria: ACMG Guidelines, 2015. Collection method: not provided. Allele origin: germline. Inheritance: Autosomal dominant inheritance. Affected: yes.

PreventionGenetics, part of Exact Sciences
Classification: Benign. Review status: criteria provided, single submitter. Criteria: ACMG Guidelines, 2015. Collection method: clinical testing. Allele origin: germline.

NM_004924.6(ACTN4):c.537G>A (p.Pro179=)

Gene: ACTN4 (actinin alpha 4; plus strand). Cytogenetic location: 19q13.2.
Variant type: single nucleotide variant.
Coding change: c.537G>A on transcript NM_004924.6 (MANE Select); coding-DNA position 537, G replaced by A.
Protein change: p.Pro179=; no amino-acid change (proline 179 retained).
Molecular consequence: synonymous variant.
Genome position (GRCh38, 1-based): chr19:38,706,096, G>A. VCF-style: chr19-38706096-G-A. GRCh37 (hg19) VCF-style: chr19-39196736-G-A.
Other names: p.Pro179=; c.537G>A, p.Pro179= (NM_001322033.2).
Identifiers: ClinVar variation 259581 (VCV000259581.18), dbSNP rs11553600, ClinGen allele CA9417303.